The following is an entry in ClinVar:

NM_004655.4(AXIN2):c.576T>G (p.Thr192=)

Gene: AXIN2 (axin 2; minus strand). Cytogenetic location: 17q24.1.
Variant type: single nucleotide variant.
Coding change: c.576T>G on transcript NM_004655.4 (MANE Select); coding-DNA position 576, T replaced by G.
Protein change: p.Thr192=; no amino-acid change (threonine 192 retained).
Molecular consequence: synonymous variant.
Genome position (GRCh38, 1-based): chr17:65,558,045, A>C on the plus strand (T>G on the coding strand, the complement: AXIN2 is on the minus strand). VCF-style: chr17-65558045-A-C. GRCh37 (hg19) VCF-style: chr17-63554163-A-C.
Other names: c.576T>G, p.Thr192= (NM_001363813.1); c.576T>G (NM_004655.3).
Identifiers: ClinVar variation 1124412 (VCV001124412.11), dbSNP rs2144584451, ClinGen allele CA501691708.

ClinVar aggregate classification (germline): Benign/Likely benign. Review status: criteria provided, multiple submitters, no conflicts (2 of 4 stars). 3 submissions from 3 submitters: Benign (1); Likely benign (2). Last evaluated 2024-12-15.

Conditions:
Hereditary cancer-predisposing syndrome. Also called: Hereditary neoplastic syndrome; Neoplastic Syndromes, Hereditary; Tumor predisposition; Hereditary Cancer Syndrome. Identifiers: Orphanet 140162, MedGen C0027672, MeSH D009386, MONDO:0015356.
Oligodontia-cancer predisposition syndrome. Also called: TOOTH AGENESIS-COLORECTAL CANCER SYNDROME. Identifiers: Orphanet 300576, MedGen C1837750, MONDO:0012075, OMIM 608615. Disease mechanism: loss of function.

Allele frequency attached by ClinVar (database versions not stated): gnomAD exomes below 0.00001.
gnomAD v4.1: 1 of 1,614,140 alleles (0.000062%); highest among the groups gnomAD compares: Non-Finnish European, 0.000085%; no homozygotes.

Submissions (3):

Ambry Genetics
Classification: Likely benign for Hereditary cancer-predisposing syndrome. Last evaluated: 2024-12-15. Review status: criteria provided, single submitter. Criteria: Ambry Variant Classification Scheme 2023. Collection method: clinical testing. Allele origin: germline.

Myriad Genetics, Inc.
Classification: Benign for Oligodontia-cancer predisposition syndrome. Last evaluated: 2024-06-27. Review status: criteria provided, single submitter. Criteria: Myriad Autosomal Dominant, Autosomal Recessive and X-Linked Classification Criteria (2023). Collection method: clinical testing. Allele origin: unknown.
Comment: This variant is considered benign. This variant is a silent/synonymous amino acid change and it is not expected to impact splicing.

Labcorp Genetics (formerly Invitae), Labcorp
Classification: Likely benign for Oligodontia-cancer predisposition syndrome. Last evaluated: 2024-02-13. Review status: criteria provided, single submitter. Criteria: Invitae Variant Classification Sherloc (09022015). Collection method: clinical testing. Allele origin: germline.